The following is an entry in ClinVar:

ClinVar aggregate classification (germline): Likely benign. Review status: criteria provided, single submitter (1 of 4 stars). 2 submissions from 2 submitters: Likely benign (1). 1 of the submissions does not count toward it. Last evaluated 2024-09-30.

Conditions:
CLTC-related disorder. Also called: CLTC-related condition.

Allele frequency attached by ClinVar (database versions not stated): ExAC 0.00001; gnomAD exomes 0.00001 and 0.00002; TOPMed 0.00001.
gnomAD v4.1: 11 of 1,613,982 alleles (0.00068%); highest among the groups gnomAD compares: Admixed American, 0.0033%; no homozygotes.

Submissions (2):

Labcorp Genetics (formerly Invitae), Labcorp
Classification: Likely benign. Last evaluated: 2024-09-30. Review status: criteria provided, single submitter. Criteria: Invitae Variant Classification Sherloc (09022015). Collection method: clinical testing. Allele origin: germline.

PreventionGenetics, part of Exact Sciences
Classification: Likely benign for CLTC-related condition. Last evaluated: 2019-02-21. Review status: no assertion criteria provided. Collection method: clinical testing. Allele origin: germline. Not counted in ClinVar's aggregate classification.
Comment: This variant is classified as likely benign based on ACMG/AMP sequence variant interpretation guidelines (Richards et al. 2015 PMID: 25741868, with internal and published modifications).

NM_004859.4(CLTC):c.4170A>G (p.Gln1390=)

Genes: CLTC (clathrin heavy chain; plus strand), LOC126862609 (CDK7 strongly-dependent group 2 enhancer GRCh37_chr17:57760547-57761746; plus strand). Cytogenetic location: 17q23.1.
Variant type: single nucleotide variant.
Coding change: c.4170A>G on transcript NM_004859.4 (MANE Select); coding-DNA position 4170, A replaced by G.
Protein change: p.Gln1390=; no amino-acid change (glutamine 1390 retained).
Molecular consequence: synonymous variant.
Genome position (GRCh38, 1-based): chr17:59,683,515, A>G. VCF-style: chr17-59683515-A-G. GRCh37 (hg19) VCF-style: chr17-57760876-A-G.
Other names: c.4182A>G, p.Gln1394= (NM_001288653.2); c.4182A>G (NM_001288653.1).
Identifiers: ClinVar variation 1543731 (VCV001543731.10), dbSNP rs755570870, ClinGen allele CA8681692.